The following is an entry in ClinVar:

NM_000199.5(SGSH):c.1066C>A (p.Pro356Thr)

Gene: SGSH (N-sulfoglucosamine sulfohydrolase; minus strand). Cytogenetic location: 17q25.3.
Variant type: single nucleotide variant.
Coding change: c.1066C>A on transcript NM_000199.5 (MANE Select); coding-DNA position 1066, C replaced by A.
Protein change: p.Pro356Thr; replaces proline 356 with threonine.
Molecular consequence: missense variant. On other transcripts: 3 prime UTR variant (2), non-coding transcript variant (1).
Genome position (GRCh38, 1-based): chr17:80,210,895, G>T on the plus strand (C>A on the coding strand, the complement: SGSH is on the minus strand). VCF-style: chr17-80210895-G-T. GRCh37 (hg19) VCF-style: chr17-78184694-G-T.
Other names: c.*153C>A (NM_001352921.3); c.*116C>A (NM_001352922.2); short protein forms P356T.
Identifiers: ClinVar variation 2149366 (VCV002149366.4), dbSNP rs2041623416, ClinGen allele CA401359219.

ClinVar aggregate classification (germline): Uncertain significance (1 of 4 stars; one submission).

Conditions:
Mucopolysaccharidosis, MPS-III-A (MPS3A). Also called: HEPARAN SULFATE SULFATASE DEFICIENCY; SANFILIPPO SYNDROME A; SULFAMIDASE DEFICIENCY; MPS III A; Mucopolysaccharidosis, type IIIA; MUCOPOLYSACCHARIDOSIS, TYPE IIIA, ATTENUATED. Identifiers: Orphanet 581, Orphanet 79269, MedGen C0086647, MONDO:0009655, OMIM 252900.

Allele frequency attached by ClinVar (database versions not stated): gnomAD exomes 0.00001.

Submission:

Labcorp Genetics (formerly Invitae), Labcorp
Classification: Uncertain significance for Mucopolysaccharidosis, MPS-III-A. Last evaluated: 2022-03-27. Review status: criteria provided, single submitter. Criteria: Invitae Variant Classification Sherloc (09022015). Collection method: clinical testing. Allele origin: germline.
Comment: In summary, the available evidence is currently insufficient to determine the role of this variant in disease. Therefore, it has been classified as a Variant of Uncertain Significance. Advanced modeling of protein sequence and biophysical properties (such as structural, functional, and spatial information, amino acid conservation, physicochemical variation, residue mobility, and thermodynamic stability) performed at Invitae indicates that this missense variant is expected to disrupt SGSH protein function. This sequence change replaces proline, which is neutral and non-polar, with threonine, which is neutral and polar, at codon 356 of the SGSH protein (p.Pro356Thr). This variant is not present in population databases (gnomAD no frequency). This variant has not been reported in the literature in individuals affected with SGSH-related conditions.